The following is an entry in ClinVar:

ClinVar aggregate classification (germline): Pathogenic. Review status: criteria provided, single submitter (1 of 4 stars). 2 submissions from 2 submitters: Pathogenic (1). 1 of the submissions does not count toward it. Last evaluated 2024-10-27.

Conditions:
AP1B1-related disorder. Also called: AP1B1-related condition.

Submissions (2):

GeneDx
Classification: Pathogenic. Last evaluated: 2024-10-27. Review status: criteria provided, single submitter. Criteria: GeneDx Variant Classification Process June 2021. Collection method: clinical testing. Allele origin: germline. Affected: yes.
Comment: Frameshift variant predicted to result in protein truncation or nonsense mediated decay in a gene for which loss of function is a known mechanism of disease; Not observed at significant frequency in large population cohorts (gnomAD); Has not been previously published as pathogenic or benign to our knowledge

PreventionGenetics, part of Exact Sciences
Classification: Pathogenic for AP1B1-related condition. Last evaluated: 2024-09-27. Review status: no assertion criteria provided. Collection method: clinical testing. Allele origin: germline. Not counted in ClinVar's aggregate classification.
Comment: The AP1B1 c.863delT variant is predicted to result in a frameshift and premature protein termination (p.Leu288Argfs*30). To our knowledge, this variant has not been reported in the literature or in a large population database, indicating this variant is rare. Frameshift variants in AP1B1 are expected to be pathogenic. This variant is interpreted as pathogenic.

NM_001127.4(AP1B1):c.863del (p.Leu288fs)

Gene: AP1B1 (adaptor related protein complex 1 subunit beta 1; minus strand). Cytogenetic location: 22q12.2.
Variant type: Deletion.
Coding change: c.863del on transcript NM_001127.4 (MANE Select); coding-DNA position 863, one base deleted (T; older notation c.863delT).
Protein change: p.Leu288fs; shifts the reading frame from leucine 288.
Molecular consequence: frameshift variant.
Genome position (GRCh38, 1-based): chr22:29,354,725, A deleted on the plus strand (T on the coding strand, the reverse complement: AP1B1 is on the minus strand). VCF-style (leftmost placement, unchanged base first): chr22-29354724-CA-C. GRCh37 (hg19) VCF-style: chr22-29750713-CA-C.
Other names: c.863del, p.Leu288fs (NM_001166019.2, NM_001378562.1, NM_001378563.1 and 2 more transcripts); c.692del, p.Leu231fs (NM_001378564.1, NM_001378565.1); c.863delT (NM_001127.3); c.863del (NM_001127.3); short protein forms L231fs, L288fs.
Identifiers: ClinVar variation 3346881 (VCV003346881.2).
Genomic context (GRCh38, chr22:29,354,724, plus strand): 5'-GAGATTGATGTTGCGCAGGGCCACATACTGCAGCTCTGGCTCGGCTGACAGCAGTGTGAC[CA>C]GGGGTGGGGCCAGCTTCTTGAGCAGTGTGCCGTAGTAGTCCAAGTCCTTAGACAACATCT-3'